The following is an entry in ClinVar:

NM_021167.5(GATAD1):c.136T>C (p.Ser46Pro)

Genes: GATAD1 (GATA zinc finger domain containing 1; plus strand), LOC129998793 (ATAC-STARR-seq lymphoblastoid silent region 18371; plus strand). Cytogenetic location: 7q21.2.
Variant type: single nucleotide variant.
Coding change: c.136T>C on transcript NM_021167.5 (MANE Select); coding-DNA position 136, T replaced by C.
Protein change: p.Ser46Pro; replaces serine 46 with proline.
Molecular consequence: missense variant. On other transcripts: non-coding transcript variant (1).
Genome position (GRCh38, 1-based): chr7:92,447,865, T>C. VCF-style: chr7-92447865-T-C. GRCh37 (hg19) VCF-style: chr7-92077179-T-C.
Other names: short protein forms S46P.
Identifiers: ClinVar variation 3519096 (VCV003519096.1).
Genomic context (GRCh38, chr7:92,447,865, plus strand): 5'-GGGGAGATCCTCTGCCATCATTGCACTGGCCGGGGCGGCGCGGGCAGCGGGGGCGCAGGC[T>C]CGGGGGCGGCTGGAGGGACTGGGGGCAGCGGCGGCGGCGGCTTCGGCGCGGCGACCTTCG-3'
Protein context (NP_066990.3, residues 36-56): RGGAGSGGAG[Ser46Pro]GAAGGTGGSG

ClinVar aggregate classification (germline): Uncertain significance (1 of 4 stars; one submission).

Conditions:
Cardiovascular phenotype. Identifiers: MedGen CN230736.

Submission:

Ambry Genetics
Classification: Uncertain significance for Cardiovascular phenotype. Last evaluated: 2024-10-22. Review status: criteria provided, single submitter. Criteria: Ambry Variant Classification Scheme 2023. Collection method: clinical testing. Allele origin: germline.
Comment: The p.S46P variant (also known as c.136T>C), located in coding exon 1 of the GATAD1 gene, results from a T to C substitution at nucleotide position 136. The serine at codon 46 is replaced by proline, an amino acid with similar properties. This amino acid position is conserved. In addition, this alteration is predicted to be tolerated by in silico analysis. Based on the available evidence, the clinical significance of this variant remains unclear.